The following is an entry in ClinVar:

ClinVar aggregate classification (germline): Uncertain significance (1 of 4 stars; one submission).

Conditions:
Familial thoracic aortic aneurysm and aortic dissection (TAAD). Also called: Thoracic aortic aneurysms and dissections. Identifiers: Orphanet 91387, MedGen C4707243, MONDO:0019625.

Submission:

Color Diagnostics, LLC DBA Color Health
Classification: Uncertain significance for Familial thoracic aortic aneurysm and aortic dissection. Last evaluated: 2023-12-05. Review status: criteria provided, single submitter. Criteria: ACMG Guidelines, 2015. Collection method: clinical testing. Allele origin: germline.
Comment: Variant of Uncertain Significance due to insufficient evidence: This missense variant is located in the kinase domain of the TGFBR2 protein. Computational prediction tools and conservation analyses suggest that this variant may have deleterious impact on the protein function. Computational splicing tools suggest that this variant may not impact RNA splicing. To our knowledge, functional assays have not been performed for this variant nor has this variant been reported in individuals affected with cardiovascular disorders in the literature. This variant is rare in the general population and has been identified in 0/277264 chromosomes by the Genome Aggregation Database (gnomAD). Available evidence is insufficient to determine the pathogenicity of this variant conclusively.

NM_003242.6(TGFBR2):c.1193T>G (p.Phe398Cys)

Gene: TGFBR2 (transforming growth factor beta receptor 2; plus strand). Cytogenetic location: 3p24.1.
Variant type: single nucleotide variant.
Coding change: c.1193T>G on transcript NM_003242.6 (MANE Select); coding-DNA position 1193, T replaced by G.
Protein change: p.Phe398Cys; replaces phenylalanine 398 with cysteine.
Molecular consequence: missense variant.
Genome position (GRCh38, 1-based): chr3:30,672,376, T>G. VCF-style: chr3-30672376-T-G. GRCh37 (hg19) VCF-style: chr3-30713868-T-G.
Other names: c.1268T>G, p.Phe423Cys (NM_001024847.3); c.1376T>G, p.Phe459Cys (NM_001407126.1); c.1301T>G, p.Phe434Cys (NM_001407127.1); c.1220T>G, p.Phe407Cys (NM_001407128.1); c.1196T>G, p.Phe399Cys (NM_001407129.1); c.1193T>G, p.Phe398Cys (NM_001407130.1); c.1088T>G, p.Phe363Cys (NM_001407132.1, NM_001407133.1, NM_001407134.1 and 2 more transcripts); c.908T>G, p.Phe303Cys (NM_001407137.1); and 1 more; short protein forms F423C, F398C, F434C, F399C, F278C, F303C, F363C, F407C.
Identifiers: ClinVar variation 922448 (VCV000922448.6), dbSNP rs1699359959, ClinGen allele CA351808734.